The following is an entry in ClinVar:

ClinVar aggregate classification (germline): Uncertain significance (1 of 4 stars; one submission).

Conditions:
Autosomal dominant Alport syndrome (ATS3A). Also called: ALPORT SYNDROME 3A, AUTOSOMAL DOMINANT; Alport syndrome dominant type; Renal failure and sensorineural hearing loss. Identifiers: Orphanet 63, Orphanet 88918, MedGen C5882663, MONDO:0007086, OMIM 104200.

Submission:

Mendelics
Classification: Uncertain significance for Autosomal dominant Alport syndrome. Last evaluated: 2026-03-05. Review status: criteria provided, single submitter. Criteria: ACMG Guidelines, 2015. Collection method: clinical testing. Allele origin: unknown.
Comment: The available evidence is insufficient to conclusively determine the role of this variant. Therefore, it is classified as a Variant of Uncertain Significance.

NM_000091.5(COL4A3):c.2524G>C (p.Gly842Arg)

Genes: MFF-DT (MFF divergent transcript; minus strand), COL4A3 (collagen type IV alpha 3 chain; plus strand). Cytogenetic location: 2q36.3.
Variant type: single nucleotide variant.
Coding change: c.2524G>C on transcript NM_000091.5 (MANE Select); coding-DNA position 2524, G replaced by C.
Protein change: p.Gly842Arg; replaces glycine 842 with arginine.
Molecular consequence: missense variant.
Genome position (GRCh38, 1-based): chr2:227,282,400, G>C. VCF-style: chr2-227282400-G-C. GRCh37 (hg19) VCF-style: chr2-228147116-G-C.
Other names: short protein forms G842R.
Identifiers: ClinVar variation 4813510 (VCV004813510.1).